The following is an entry in ClinVar:

NM_006494.4(ERF):c.731C>T (p.Pro244Leu)

Gene: ERF (ETS2 repressor factor; minus strand). Cytogenetic location: 19q13.2.
Variant type: single nucleotide variant.
Coding change: c.731C>T on transcript NM_006494.4 (MANE Select); coding-DNA position 731, C replaced by T.
Protein change: p.Pro244Leu; replaces proline 244 with leucine.
Molecular consequence: missense variant.
Genome position (GRCh38, 1-based): chr19:42,249,381, G>A on the plus strand (C>T on the coding strand, the complement: ERF is on the minus strand). VCF-style: chr19-42249381-G-A. GRCh37 (hg19) VCF-style: chr19-42753533-G-A.
Other names: c.506C>T, p.Pro169Leu (NM_001301035.2, NM_001308402.2, NM_001312656.2); short protein forms P169L, P244L.
Identifiers: ClinVar variation 3774849 (VCV003774849.1).

ClinVar aggregate classification (germline): Uncertain significance (1 of 4 stars; one submission).

Submission:

GeneDx
Classification: Uncertain significance. Last evaluated: 2024-09-26. Review status: criteria provided, single submitter. Criteria: GeneDx Variant Classification Process June 2021. Collection method: clinical testing. Allele origin: germline. Affected: yes.
Comment: Not observed at significant frequency in large population cohorts (gnomAD); In silico analysis supports that this missense variant has a deleterious effect on protein structure/function; Has not been previously published as pathogenic or benign to our knowledge